The following is an entry in ClinVar:

ClinVar aggregate classification (germline): Uncertain significance. Review status: reviewed by expert panel (3 of 4 stars). 2 submissions from 2 submitters: Uncertain significance (1). 1 of the submissions does not count toward it. Last evaluated 2025-07-11.

Conditions:
Hereditary thrombocytopenia and hematologic cancer predisposition syndrome. Identifiers: Orphanet 71290, MedGen CN281654, MONDO:0011071.
Inborn genetic diseases. Identifiers: MedGen C0950123, MeSH D030342.

Submissions (2):

ClinGen Myeloid Malignancy Variant Curation Expert Panel
Classification: Uncertain significance for Hereditary thrombocytopenia and hematologic cancer predisposition syndrome. Last evaluated: 2025-07-11. Review status: reviewed by expert panel. Criteria: ClinGen MyeloMalig ACMG Specifications v2. Collection method: curation. Allele origin: germline. Inheritance: Autosomal dominant inheritance.
Comment: NM_001754.5(RUNX1):c.928A>C (p.Met310Leu) is a missense variant which has a REVEL score < 0.50 (0.087), and a SpliceAI score ≤ 0.20 (0.0) (BP4). This variant is completely absent from all population databases with at least 20x coverage for RUNX1 (PM2_Supporting). In summary, the clinical significance of this variant is uncertain. ACMG/AMP criteria applied, as specified by the Myeloid Malignancy Variant Curation Expert Panel for RUNX1: PM2_supporting, BP4.

Ambry Genetics
Classification: Uncertain significance for Inborn genetic diseases. Last evaluated: 2025-01-13. Review status: criteria provided, single submitter. Criteria: Ambry Variant Classification Scheme 2023. Collection method: clinical testing. Allele origin: germline. Not counted in ClinVar's aggregate classification.
Comment: The p.M310L variant (also known as c.928A>C), located in coding exon 7 of the RUNX1 gene, results from an A to C substitution at nucleotide position 928. The methionine at codon 310 is replaced by leucine, an amino acid with highly similar properties. This amino acid position is conserved. In addition, this alteration is predicted to be tolerated by in silico analysis. Based on the available evidence, the clinical significance of this variant remains unclear.

NM_001754.5(RUNX1):c.928A>C (p.Met310Leu)

Gene: RUNX1 (RUNX family transcription factor 1; minus strand). Cytogenetic location: 21q22.12.
Variant type: single nucleotide variant.
Coding change: c.928A>C on transcript NM_001754.5 (MANE Select); coding-DNA position 928, A replaced by C.
Protein change: p.Met310Leu; replaces methionine 310 with leucine.
Molecular consequence: missense variant.
Genome position (GRCh38, 1-based): chr21:34,799,340, T>G on the plus strand (A>C on the coding strand, the complement: RUNX1 is on the minus strand). VCF-style: chr21-34799340-T-G. GRCh37 (hg19) VCF-style: chr21-36171637-T-G.
Other names: NM_001754.5(RUNX1):c.928A>C; p.Met310Leu; c.847A>C, p.Met283Leu (NM_001001890.3); short protein forms M283L, M310L.
Identifiers: ClinVar variation 3791474 (VCV003791474.1).